The following is an entry in ClinVar:

ClinVar aggregate classification (germline): Likely benign. Review status: criteria provided, multiple submitters, no conflicts (2 of 4 stars). 4 submissions from 4 submitters: Likely benign (3). 1 of the submissions does not count toward it. Last evaluated 2026-01-29.

Conditions:
POMGNT2-related disorder. Also called: POMGNT2-related condition.
Muscular dystrophy-dystroglycanopathy (congenital with brain and eye anomalies), type a, 8 (MDDGA8). Also called: WALKER-WARBURG SYNDROME OR MUSCLE-EYE-BRAIN DISEASE, GTDC2-RELATED. Identifiers: Orphanet 899, MedGen C3553813, MONDO:0013904, OMIM 614830.

Allele frequency attached by ClinVar (database versions not stated): gnomAD exomes 0.00004 and 0.00007; ExAC 0.00010; ESP Exome Variant Server 0.00015; gnomAD 0.00026 and 0.00036; TOPMed 0.00045; 1000 Genomes Project 0.00080; 1000 Genomes Project 30x 0.00125.
gnomAD v4.1: 110 of 1,614,198 alleles (0.0068%); highest among the groups gnomAD compares: African/African-American, 0.085%; 1 homozygote.

Submissions (4):

Labcorp Genetics (formerly Invitae), Labcorp
Classification: Likely benign for Muscular dystrophy-dystroglycanopathy (congenital with brain and eye anomalies), type a, 8. Last evaluated: 2026-01-29. Review status: criteria provided, single submitter. Criteria: Invitae Variant Classification Sherloc (09022015). Collection method: clinical testing. Allele origin: germline.

Blueprint Genetics
Classification: Likely benign. Last evaluated: 2023-10-24. Review status: criteria provided, single submitter. Criteria: ACMG Guidelines, 2015. Collection method: clinical testing. Allele origin: germline.

GeneDx
Classification: Likely benign. Last evaluated: 2016-04-25. Review status: criteria provided, single submitter. Criteria: GeneDx Variant Classification (06012015). Collection method: clinical testing. Allele origin: germline. Affected: yes.
Comment: This variant is considered likely benign or benign based on one or more of the following criteria: it is a conservative change, it occurs at a poorly conserved position in the protein, it is predicted to be benign by multiple in silico algorithms, and/or has population frequency not consistent with disease.

PreventionGenetics, part of Exact Sciences
Classification: Likely benign for POMGNT2-related condition. Last evaluated: 2019-02-20. Review status: no assertion criteria provided. Collection method: clinical testing. Allele origin: germline. Not counted in ClinVar's aggregate classification.
Comment: This variant is classified as likely benign based on ACMG/AMP sequence variant interpretation guidelines (Richards et al. 2015 PMID: 25741868, with internal and published modifications).

NM_032806.6(POMGNT2):c.438G>A (p.Pro146=)

Gene: POMGNT2 (protein O-linked mannose N-acetylglucosaminyltransferase 2 (beta 1,4-); minus strand). Cytogenetic location: 3p22.1.
Variant type: single nucleotide variant.
Coding change: c.438G>A on transcript NM_032806.6 (MANE Select); coding-DNA position 438, G replaced by A.
Protein change: p.Pro146=; no amino-acid change (proline 146 retained).
Molecular consequence: synonymous variant.
Genome position (GRCh38, 1-based): chr3:43,080,994, C>T on the plus strand (G>A on the coding strand, the complement: POMGNT2 is on the minus strand). VCF-style: chr3-43080994-C-T. GRCh37 (hg19) VCF-style: chr3-43122486-C-T.
Identifiers: ClinVar variation 385702 (VCV000385702.14), dbSNP rs375314883, ClinGen allele CA2340081.
Genomic context (GRCh38, chr3:43,080,994, plus strand): 5'-GTGCATGAGGTTGTCGGGGTTGAAGCGGTTGGCGATGAGGGCCACGTCTGGCACGAACAC[C>T]GGCTTGGGCATGAAGCGCAGGGCAGCAGCAGGCAGCTCCACGAAGTTGAAGTACTGAGTG-3'
Protein context (NP_116195.2, residues 136-156): PAAALRFMPK[Pro146=]VFVPDVALIA